The following is an entry in ClinVar:

NM_001399.5(EDA):c.752T>C (p.Val251Ala)

Gene: EDA (ectodysplasin A; plus strand). Cytogenetic location: Xq13.1.
Variant type: single nucleotide variant.
Coding change: c.752T>C on transcript NM_001399.5 (MANE Select); coding-DNA position 752, T replaced by C.
Protein change: p.Val251Ala; replaces valine 251 with alanine.
Molecular consequence: missense variant.
Genome position (GRCh38, 1-based): chrX:70,030,479, T>C. VCF-style: chrX-70030479-T-C. GRCh37 (hg19) VCF-style: chrX-69250329-T-C.
Other names: c.752T>C, p.Val251Ala (NM_001005609.2, NM_001005612.3, NM_001440761.1 and 1 more transcripts); short protein forms V251A.
Identifiers: ClinVar variation 5007588 (VCV005007588.2).
Genomic context (GRCh38, chrX:70,030,479, plus strand): 5'-AAGCAGCCATTACTCATAGTGACTACTCTCTATCCTTCTCATCCTGCCAGCCAGCTGTGG[T>C]GCATCTACAGGGCCAAGGGTCAGCAATTCAAGTCAAGAATGGTAAGAATCAAAATAGGCT-3'
Protein context (NP_001390.1, residues 241-261): AGTRENQPAV[Val251Ala]HLQGQGSAIQ

ClinVar aggregate classification (germline): Uncertain significance (1 of 4 stars; one submission).

Conditions:
Tooth agenesis, selective, X-linked, 1 (STHAGX1). Also called: HYPODONTIA/OLIGODONTIA, X-LINKED, 1. Identifiers: Orphanet 99798, MedGen C1970757, MONDO:0010741, OMIM 313500. Disease mechanism: loss of function.
Hypohidrotic X-linked ectodermal dysplasia (XHED). Also called: Christ-Siemans-Touraine syndrome; Christ Siemens Touraine syndrome; Anhidrotic ectodermal dysplasia X-linked; ECTODERMAL DYSPLASIA, HYPOHIDROTIC, 1; CST SYNDROME; ECTODERMAL DYSPLASIA 1, HYPOHIDROTIC, X-LINKED. Identifiers: Orphanet 181, Orphanet 238468, MedGen C0162359, MONDO:0010585, OMIM 305100.

Submission:

Juno Genomics, Hangzhou Juno Genomics, Inc
Classification: Uncertain significance for Tooth agenesis, selective, X-linked, 1; Hypohidrotic X-linked ectodermal dysplasia. Review status: criteria provided, single submitter. Criteria: ACMG Guidelines, 2015. Collection method: clinical testing. Allele origin: germline.
Comment: Absent from controls (or at extremely low frequency if recessive) in Genome Aggregation Database.;Multiple lines of computational evidence support a deleterious effect on the gene or gene product.